The following is an entry in ClinVar:

ClinVar aggregate classification (germline): Likely benign (0 of 4 stars; one submission).

Conditions:
SEMA3G-related disorder. Also called: SEMA3G-related condition.

gnomAD v4.1: 18 of 1,610,104 alleles (0.0011%); highest among the groups gnomAD compares: Non-Finnish European, 0.0015%; no homozygotes.

Submission:

PreventionGenetics, part of Exact Sciences
Classification: Likely benign for SEMA3G-related condition. Last evaluated: 2022-03-17. Review status: no assertion criteria provided. Collection method: clinical testing. Allele origin: germline.
Comment: This variant is classified as likely benign based on ACMG/AMP sequence variant interpretation guidelines (Richards et al. 2015 PMID: 25741868, with internal and published modifications).

NM_020163.3(SEMA3G):c.1878+7G>A

Gene: SEMA3G (semaphorin 3G; minus strand). Cytogenetic location: 3p21.1.
Variant type: single nucleotide variant.
Coding change: c.1878+7G>A on transcript NM_020163.3 (MANE Select); 7 bases into the intron after coding-DNA position 1878, G replaced by A.
Molecular consequence: intron variant.
Genome position (GRCh38, 1-based): chr3:52,437,520, C>T on the plus strand (G>A on the coding strand, the complement: SEMA3G is on the minus strand). VCF-style: chr3-52437520-C-T. GRCh37 (hg19) VCF-style: chr3-52471536-C-T.
Identifiers: ClinVar variation 3358131 (VCV003358131.1).